The following is an entry in ClinVar:

ClinVar aggregate classification (germline): Uncertain significance. Review status: criteria provided, multiple submitters, no conflicts (2 of 4 stars). 2 submissions from 2 submitters: Uncertain significance (2). Last evaluated 2024-08-27.

Conditions:
Inborn genetic diseases. Identifiers: MedGen C0950123, MeSH D030342.
Congenital myasthenic syndrome 2A. Also called: Myasthenic syndrome, congenital, 2a, slow-channel. Identifiers: Orphanet 590, MedGen C4225374, MONDO:0014581, OMIM 616313.

Allele frequency attached by ClinVar (database versions not stated): gnomAD exomes below 0.00001 and 0.00001.
gnomAD v4.1: 2 of 1,614,150 alleles (0.00012%); highest among the groups gnomAD compares: Non-Finnish European, 0.00017%; no homozygotes.

Submissions (2):

Ambry Genetics
Classification: Uncertain significance for Inborn genetic diseases. Last evaluated: 2024-08-27. Review status: criteria provided, single submitter. Criteria: Ambry Variant Classification Scheme 2023. Collection method: clinical testing. Allele origin: germline.

Labcorp Genetics (formerly Invitae), Labcorp
Classification: Uncertain significance for Congenital myasthenic syndrome 2A. Last evaluated: 2022-10-17. Review status: criteria provided, single submitter. Criteria: Invitae Variant Classification Sherloc (09022015). Collection method: clinical testing. Allele origin: germline.
Comment: In summary, the available evidence is currently insufficient to determine the role of this variant in disease. Therefore, it has been classified as a Variant of Uncertain Significance. Advanced modeling of protein sequence and biophysical properties (such as structural, functional, and spatial information, amino acid conservation, physicochemical variation, residue mobility, and thermodynamic stability) performed at Invitae indicates that this missense variant is not expected to disrupt CHRNB1 protein function. ClinVar contains an entry for this variant (Variation ID: 1412054). This variant has not been reported in the literature in individuals affected with CHRNB1-related conditions. This variant is present in population databases (no rsID available, gnomAD 0.002%). This sequence change replaces glycine, which is neutral and non-polar, with alanine, which is neutral and non-polar, at codon 380 of the CHRNB1 protein (p.Gly380Ala).

NM_000747.3(CHRNB1):c.1139G>C (p.Gly380Ala)

Gene: CHRNB1 (cholinergic receptor nicotinic beta 1 subunit; plus strand). Cytogenetic location: 17p13.1.
Variant type: single nucleotide variant.
Coding change: c.1139G>C on transcript NM_000747.3 (MANE Select); coding-DNA position 1139, G replaced by C.
Protein change: p.Gly380Ala; replaces glycine 380 with alanine.
Molecular consequence: missense variant.
Genome position (GRCh38, 1-based): chr17:7,455,378, G>C. VCF-style: chr17-7455378-G-C. GRCh37 (hg19) VCF-style: chr17-7358697-G-C.
Other names: c.1139G>C (NM_000747.2); short protein forms G380A.
Identifiers: ClinVar variation 1412054 (VCV001412054.9), dbSNP rs1377352531, ClinGen allele CA397801011.